The following is an entry in ClinVar:

ClinVar aggregate classification (germline): Uncertain significance. Review status: criteria provided, multiple submitters, no conflicts (2 of 4 stars). 2 submissions from 2 submitters: Uncertain significance (2). Last evaluated 2025-03-18.

Submissions (2):

ARUP Laboratories, Molecular Genetics and Genomics, ARUP Laboratories
Classification: Uncertain significance. Last evaluated: 2025-03-18. Review status: criteria provided, single submitter. Criteria: ARUP Molecular Germline Variant Investigation Process 2024. Collection method: clinical testing. Allele origin: germline.
Comment: The HNF4A c.155C>A; p.Ala52Asp variant (rs2146368140), to our knowledge, is not reported in the medical literature but is reported in ClinVar (Variation ID: 1510042). This variant is absent from the Genome Aggregation Database (v2.1.1), indicating it is not a common polymorphism. Computational analyses predict that this variant is deleterious (REVEL: 0.972). Due to limited information, the clinical significance of this variant is uncertain at this time.

Labcorp Genetics (formerly Invitae), Labcorp
Classification: Uncertain significance. Last evaluated: 2021-08-03. Review status: criteria provided, single submitter. Criteria: Invitae Variant Classification Sherloc (09022015). Collection method: clinical testing. Allele origin: germline.
Comment: This variant is not present in population databases (ExAC no frequency). This sequence change replaces alanine with aspartic acid at codon 52 of the HNF4A protein (p.Ala52Asp). The alanine residue is highly conserved and there is a moderate physicochemical difference between alanine and aspartic acid. This variant has not been reported in the literature in individuals affected with HNF4A-related conditions. In summary, the available evidence is currently insufficient to determine the role of this variant in disease. Therefore, it has been classified as a Variant of Uncertain Significance. Algorithms developed to predict the effect of sequence changes on RNA splicing suggest that this variant may create or strengthen a splice site. Algorithms developed to predict the effect of missense changes on protein structure and function are either unavailable or do not agree on the potential impact of this missense change (SIFT: "Tolerated"; PolyPhen-2: "Probably Damaging"; Align-GVGD: "Class C0").

NM_175914.5(HNF4A):c.155C>A (p.Ala52Asp)

Gene: HNF4A (hepatocyte nuclear factor 4 alpha; plus strand). Cytogenetic location: 20q13.12.
Variant type: single nucleotide variant.
Coding change: c.155C>A on transcript NM_175914.5 (MANE Select); coding-DNA position 155, C replaced by A.
Protein change: p.Ala52Asp; replaces alanine 52 with aspartic acid.
Molecular consequence: missense variant.
Genome position (GRCh38, 1-based): chr20:44,406,163, C>A. VCF-style: chr20-44406163-C-A. GRCh37 (hg19) VCF-style: chr20-43034803-C-A.
Other names: c.221C>A, p.Ala74Asp (NM_000457.6, NM_178849.3, NM_178850.3); c.155C>A, p.Ala52Asp (NM_001030003.3, NM_001030004.3); c.200C>A, p.Ala67Asp (NM_001258355.2); c.146C>A, p.Ala49Asp (NM_001287182.2, NM_001287183.2, NM_001287184.2); short protein forms A67D, A49D, A74D, A52D.
Identifiers: ClinVar variation 1510042 (VCV001510042.7), dbSNP rs2146368140, ClinGen allele CA409103872.